The following is an entry in ClinVar:

ClinVar aggregate classification (germline): Uncertain significance (1 of 4 stars; one submission).

Conditions:
Congenital cataract-microcephaly-nevus flammeus simplex-severe intellectual disability syndrome. Also called: Basel-Vanagaite-Smirin-Yosef syndrome. Identifiers: Orphanet 464738, MedGen C4225323, MONDO:0014643, OMIM 616449.

Allele frequency attached by ClinVar (database versions not stated): gnomAD exomes below 0.00001; TOPMed 0.00001.
gnomAD v4.1: 2 of 1,612,652 alleles (0.00012%); highest among the groups gnomAD compares: Admixed American, 0.0033%; no homozygotes.

Submission:

Baylor Genetics
Classification: Uncertain significance for Congenital cataract-microcephaly-nevus flammeus simplex-severe intellectual disability syndrome. Last evaluated: 2018-07-31. Review status: criteria provided, single submitter. Criteria: ACMG Guidelines, 2015. Collection method: clinical testing. Allele origin: maternal. Affected: yes.
Comment: This variant was determined to be of uncertain significance according to ACMG Guidelines, 2015 [PMID:25741868].

NM_030973.4(MED25):c.1934A>G (p.Gln645Arg)

Gene: MED25 (mediator complex subunit 25; plus strand). Cytogenetic location: 19q13.33.
Variant type: single nucleotide variant.
Coding change: c.1934A>G on transcript NM_030973.4 (MANE Select); coding-DNA position 1934, A replaced by G.
Protein change: p.Gln645Arg; replaces glutamine 645 with arginine.
Molecular consequence: missense variant.
Genome position (GRCh38, 1-based): chr19:49,835,914, A>G. VCF-style: chr19-49835914-A-G. GRCh37 (hg19) VCF-style: chr19-50339171-A-G.
Other names: c.1934A>G, p.Gln645Arg (NM_001378355.1); short protein forms Q645R.
Identifiers: ClinVar variation 1032919 (VCV001032919.1), dbSNP rs1425868838, ClinGen allele CA406920876.